The following is an entry in ClinVar:

ClinVar aggregate classification (germline): Pathogenic. Review status: criteria provided, multiple submitters, no conflicts (2 of 4 stars). 2 submissions from 2 submitters: Pathogenic (2). Last evaluated 2025-05-19.

Conditions:
Hereditary cancer-predisposing syndrome. Also called: Neoplastic Syndromes, Hereditary; Tumor predisposition; Hereditary neoplastic syndrome; Hereditary Cancer Syndrome. Identifiers: Orphanet 140162, MedGen C0027672, MeSH D009386, MONDO:0015356.
Cardiovascular phenotype. Identifiers: MedGen CN230736.

gnomAD v4.1: 1 of 1,551,510 alleles (0.000064%); highest among the groups gnomAD compares: Non-Finnish European, 0.000087%; no homozygotes.

Submissions (2):

Labcorp Genetics (formerly Invitae), Labcorp
Classification: Pathogenic. Last evaluated: 2025-05-19. Review status: criteria provided, single submitter. Criteria: Invitae Variant Classification Sherloc (09022015). Collection method: clinical testing. Allele origin: germline.
Comment: This sequence change creates a premature translational stop signal (p.Glu322*) in the LZTR1 gene. It is expected to result in an absent or disrupted protein product. Loss-of-function variants in LZTR1 are known to be pathogenic (PMID: 24362817, 25335493, 25480913, 25795793, 29469822, 30368668, 30442762, 30442766, 30481304, 30859559). This variant is not present in population databases (gnomAD no frequency). This premature translational stop signal has been observed in individual(s) with schwannomatosis (PMID: 25480913). ClinVar contains an entry for this variant (Variation ID: 3238376). Algorithms developed to predict the effect of sequence changes on RNA splicing suggest that this variant may disrupt the consensus splice site. For these reasons, this variant has been classified as Pathogenic.

Ambry Genetics
Classification: Pathogenic for Cardiovascular phenotype; Hereditary cancer-predisposing syndrome. Last evaluated: 2024-02-15. Review status: criteria provided, single submitter. Criteria: Ambry Variant Classification Scheme 2023. Collection method: clinical testing. Allele origin: germline.
Comment: The c.964G>T pathogenic mutation (also known as p.E322*), located in coding exon 9 of the LZTR1 gene, results from a G to T substitution at nucleotide position 964. This changes the amino acid from a glutamic acid to a stop codon within coding exon 9. This variant was reported in an individual with a clinical diagnosis of schwannomatosis (Smith MJ et al. Neurology, 2015 Jan;84:141-7). This nucleotide position is highly conserved in available vertebrate species. This variant is considered to be rare based on population cohorts in the Genome Aggregation Database (gnomAD). In silico splice site analysis predicts that this alteration may weaken the native splice donor site and will result in the creation or strengthening of a novel splice donor site. RNA studies have demonstrated that this alteration results in abnormal splicing in the set of samples tested (Ambry internal data). This alteration is expected to result in loss of function by premature protein truncation or nonsense-mediated mRNA decay. Loss-of-function variants in LZTR1 are related to an increased risk for schwannomas and autosomal recessive Noonan syndrome; however, such associations with autosomal dominant Noonan syndrome have not been observed (Piotrowski A et al. Nat Genet. 2014 Feb;46:182-7; Yamamoto GL et al. J Med Genet. 2015 Jun;52:413-21; Johnston JJ et al. Genet Med. 2018 10;20:1175-1185). Based on the supporting evidence, this variant is pathogenic for an increased risk of LZTR1-related schwannomatosis (SWN) and would be expected to cause autosomal recessive Noonan syndrome when present along with a second pathogenic or likely pathogenic variant on the other allele; however, the association of this alteration with autosomal dominant Noonan syndrome is unlikely.

Literature cited by the submitters: PubMed 24362817 (cited by Labcorp Genetics (formerly Invitae), Labcorp); PubMed 25335493 (cited by Labcorp Genetics (formerly Invitae), Labcorp); PubMed 25480913 (cited by Labcorp Genetics (formerly Invitae), Labcorp); PubMed 25795793 (cited by Labcorp Genetics (formerly Invitae), Labcorp); PubMed 29469822 (cited by Labcorp Genetics (formerly Invitae), Labcorp); PubMed 30368668 (cited by Labcorp Genetics (formerly Invitae), Labcorp); PubMed 30442762 (cited by Labcorp Genetics (formerly Invitae), Labcorp); PubMed 30442766 (cited by Labcorp Genetics (formerly Invitae), Labcorp); PubMed 30481304 (cited by Labcorp Genetics (formerly Invitae), Labcorp); PubMed 30859559 (cited by Labcorp Genetics (formerly Invitae), Labcorp).

NM_006767.4(LZTR1):c.964G>T (p.Glu322Ter)

Gene: LZTR1 (leucine zipper like post translational regulator 1; plus strand). Cytogenetic location: 22q11.21.
Variant type: single nucleotide variant.
Coding change: c.964G>T on transcript NM_006767.4 (MANE Select); coding-DNA position 964, G replaced by T.
Protein change: p.Glu322Ter; replaces glutamic acid 322 with a stop codon.
Molecular consequence: nonsense.
Genome position (GRCh38, 1-based): chr22:20,991,800, G>T. VCF-style: chr22-20991800-G-T. GRCh37 (hg19) VCF-style: chr22-21346089-G-T.
Other names: short protein forms E322*.
Identifiers: ClinVar variation 3238376 (VCV003238376.2), dbSNP rs1015399427.